The following is an entry in ClinVar:

ClinVar aggregate classification (germline): Likely benign (1 of 4 stars; one submission).

gnomAD v4.1: 1,266 of 1,614,030 alleles (0.078%); highest among the groups gnomAD compares: Non-Finnish European, 0.094%; no homozygotes.

Submission:

CeGaT Center for Human Genetics Tuebingen
Classification: Likely benign. Last evaluated: 2026-05-01. Review status: criteria provided, single submitter. Criteria: CeGaT Center For Human Genetics Tuebingen Variant Classification Criteria Version 2. Collection method: clinical testing. Allele origin: germline. Affected: yes. Observed: 2 variant alleles.
Comment: ANGPTL7: BP4

NM_021146.4(ANGPTL7):c.871+6A>G

Genes: ANGPTL7 (angiopoietin like 7; plus strand), MTOR (mechanistic target of rapamycin kinase; minus strand), LOC129388452 (MPRA-validated peak73 silencer; plus strand). Cytogenetic location: 1p36.22.
Variant type: single nucleotide variant.
Coding change: c.871+6A>G on transcript NM_021146.4 (MANE Select); 6 bases into the intron after coding-DNA position 871, A replaced by G.
Molecular consequence: intron variant.
Genome position (GRCh38, 1-based): chr1:11,194,665, A>G. VCF-style: chr1-11194665-A-G. GRCh37 (hg19) VCF-style: chr1-11254722-A-G.
Other names: c.3005+4593T>C (NM_001386501.1); c.4253+4593T>C (NM_004958.4, NM_001386500.1).
Identifiers: ClinVar variation 4872174 (VCV004872174.2).